The following is an entry in ClinVar:

ClinVar aggregate classification (germline): Uncertain significance (1 of 4 stars; one submission).

Submission:

Labcorp Genetics (formerly Invitae), Labcorp
Classification: Uncertain significance. Last evaluated: 2025-08-25. Review status: criteria provided, single submitter. Criteria: Invitae Variant Classification Sherloc (09022015). Collection method: clinical testing. Allele origin: germline.
Comment: This sequence change replaces asparagine, which is neutral and polar, with histidine, which is basic and polar, at codon 457 of the NFKB1 protein (p.Asn457His). This variant is not present in population databases (gnomAD no frequency). This variant has not been reported in the literature in individuals affected with NFKB1-related conditions. An algorithm developed to predict the effect of missense changes on protein structure and function (PolyPhen-2) suggests that this variant is likely to be tolerated. In summary, the available evidence is currently insufficient to determine the role of this variant in disease. Therefore, it has been classified as a Variant of Uncertain Significance.

NM_003998.4(NFKB1):c.1369A>C (p.Asn457His)

Gene: NFKB1 (nuclear factor kappa B subunit 1; plus strand). Cytogenetic location: 4q24.
Variant type: single nucleotide variant.
Coding change: c.1369A>C on transcript NM_003998.4 (MANE Select); coding-DNA position 1369, A replaced by C.
Protein change: p.Asn457His; replaces asparagine 457 with histidine.
Molecular consequence: missense variant.
Genome position (GRCh38, 1-based): chr4:102,596,206, A>C. VCF-style: chr4-102596206-A-C. GRCh37 (hg19) VCF-style: chr4-103517363-A-C.
Other names: c.1366A>C, p.Asn456His (NM_001165412.2, NM_001319226.2, NM_001382627.1); c.1369A>C, p.Asn457His (NM_001382625.1, NM_001382626.1); c.1327A>C, p.Asn443His (NM_001382628.1); short protein forms N457H, N443H, N456H.
Identifiers: ClinVar variation 4725761 (VCV004725761.1).